The following is an entry in ClinVar:

NM_005609.4(PYGM):c.761A>T (p.Asn254Ile)

Gene: PYGM (glycogen phosphorylase, muscle associated; minus strand). Cytogenetic location: 11q13.1.
Variant type: single nucleotide variant.
Coding change: c.761A>T on transcript NM_005609.4 (MANE Select); coding-DNA position 761, A replaced by T.
Protein change: p.Asn254Ile; replaces asparagine 254 with isoleucine.
Molecular consequence: missense variant.
Genome position (GRCh38, 1-based): chr11:64,755,458, T>A on the plus strand (A>T on the coding strand, the complement: PYGM is on the minus strand). VCF-style: chr11-64755458-T-A. GRCh37 (hg19) VCF-style: chr11-64522930-T-A.
Other names: c.497A>T, p.Asn166Ile (NM_001164716.1); short protein forms N166I, N254I.
Identifiers: ClinVar variation 1163524 (VCV001163524.14), dbSNP rs149067043, ClinGen allele CA6080131.

ClinVar aggregate classification (germline): Uncertain significance. Review status: criteria provided, multiple submitters, no conflicts (2 of 4 stars). 5 submissions from 5 submitters: Uncertain significance (5). Last evaluated 2024-07-01.

Conditions:
Glycogen storage disease, type V (GSD5). Also called: MCARDLE DISEASE; MUSCLE GLYCOGEN PHOSPHORYLASE DEFICIENCY; MYOPHOSPHORYLASE DEFICIENCY; PYGM DEFICIENCY; McArdle type glycogen storage disease. Identifiers: Orphanet 368, MedGen C0017924, MONDO:0009293, OMIM 232600.

Allele frequency attached by ClinVar (database versions not stated): 1000 Genomes Project 30x 0.00031; TOPMed 0.00033; gnomAD 0.00034; ESP Exome Variant Server 0.00038; 1000 Genomes Project 0.00040.
gnomAD v4.1: 94 of 1,614,024 alleles (0.0058%); highest among the groups gnomAD compares: African/African-American, 0.12%; 1 homozygote.

Submissions (5):

Labcorp Genetics (formerly Invitae), Labcorp
Classification: Uncertain significance for Glycogen storage disease, type V. Last evaluated: 2024-07-01. Review status: criteria provided, single submitter. Criteria: Invitae Variant Classification Sherloc (09022015). Collection method: clinical testing. Allele origin: germline.
Comment: This sequence change replaces asparagine, which is neutral and polar, with isoleucine, which is neutral and non-polar, at codon 254 of the PYGM protein (p.Asn254Ile). This variant is present in population databases (rs149067043, gnomAD 0.1%). This variant has not been reported in the literature in individuals affected with PYGM-related conditions. ClinVar contains an entry for this variant (Variation ID: 1163524). Advanced modeling of protein sequence and biophysical properties (such as structural, functional, and spatial information, amino acid conservation, physicochemical variation, residue mobility, and thermodynamic stability) has been performed at Invitae for this missense variant, however the output from this modeling did not meet the statistical confidence thresholds required to predict the impact of this variant on PYGM protein function. In summary, the available evidence is currently insufficient to determine the role of this variant in disease. Therefore, it has been classified as a Variant of Uncertain Significance.

Fulgent Genetics
Classification: Uncertain significance for Glycogen storage disease, type V. Last evaluated: 2024-04-12. Review status: criteria provided, single submitter. Criteria: ACMG Guidelines, 2015. Collection method: clinical testing. Allele origin: germline.

GeneDx
Classification: Uncertain significance. Last evaluated: 2024-01-17. Review status: criteria provided, single submitter. Criteria: GeneDx Variant Classification Process June 2021. Collection method: clinical testing. Allele origin: germline. Affected: yes.
Comment: In silico analysis supports that this missense variant has a deleterious effect on protein structure/function; Has not been previously published as pathogenic or benign to our knowledge

Revvity Omics, Revvity
Classification: Uncertain significance for Glycogen storage disease, type V. Last evaluated: 2021-11-26. Review status: criteria provided, single submitter. Criteria: ACMG Guidelines, 2015. Collection method: clinical testing. Allele origin: germline.

Mayo Clinic Laboratories, Mayo Clinic
Classification: Uncertain significance. Last evaluated: 2020-11-27. Review status: criteria provided, single submitter. Criteria: ACMG Guidelines, 2015. Collection method: clinical testing. Allele origin: germline. Observed: 1 variant allele.